The following is an entry in ClinVar:

ClinVar aggregate classification (germline): Pathogenic/Likely pathogenic. Review status: criteria provided, multiple submitters, no conflicts (2 of 4 stars). 2 submissions from 2 submitters: Pathogenic (1); Likely pathogenic (1). Last evaluated 2023-05-12.

Conditions:
Autosomal dominant Alport syndrome (ATS3A). Also called: ALPORT SYNDROME 3A, AUTOSOMAL DOMINANT; Alport syndrome dominant type; Renal failure and sensorineural hearing loss. Identifiers: Orphanet 63, Orphanet 88918, MedGen C5882663, MONDO:0007086, OMIM 104200.
Autosomal recessive Alport syndrome (ATS2). Also called: COL4A4 Alport Syndrome and Thin Basement Membrane Nephropathy; ALPORT SYNDROME 2, AUTOSOMAL RECESSIVE; Alport syndrome type 2; COL4A3-Related Nephropathy. Identifiers: Orphanet 63, Orphanet 88919, MedGen C4746745, MONDO:0008762, OMIM 203780.
Benign familial hematuria. Also called: thin basement membrane disease. Identifiers: MedGen C0241908, MONDO:0957317.

Submissions (2):

Labcorp Genetics (formerly Invitae), Labcorp
Classification: Pathogenic. Last evaluated: 2023-05-12. Review status: criteria provided, single submitter. Criteria: Invitae Variant Classification Sherloc (09022015). Collection method: clinical testing. Allele origin: germline.
Comment: Disruption of this splice site has been observed in individual(s) with clinical features of Alport syndrome (Invitae). In at least one individual the data is consistent with being in trans (on the opposite chromosome) from a pathogenic variant. This variant is present in population databases (no rsID available, gnomAD 0.0009%). This sequence change affects a splice site in intron 38 of the COL4A3 gene. It is expected to disrupt RNA splicing. Variants that disrupt the donor or acceptor splice site typically lead to a loss of protein function (PMID: 16199547), and loss-of-function variants in COL4A3 are known to be pathogenic (PMID: 8956999, 24854265, 26809805, 27281700). ClinVar contains an entry for this variant (Variation ID: 1067715). For these reasons, this variant has been classified as Pathogenic. Algorithms developed to predict the effect of sequence changes on RNA splicing suggest that this variant may disrupt the consensus splice site.

Fulgent Genetics
Classification: Likely pathogenic for Autosomal dominant Alport syndrome; Hematuria, benign familial, 1; Autosomal recessive Alport syndrome. Last evaluated: 2021-09-27. Review status: criteria provided, single submitter. Criteria: ACMG Guidelines, 2015. Collection method: clinical testing. Allele origin: unknown.

Literature cited by the submitters: PubMed 16199547 (cited by Labcorp Genetics (formerly Invitae), Labcorp); PubMed 8956999 (cited by Labcorp Genetics (formerly Invitae), Labcorp); PubMed 24854265 (cited by Labcorp Genetics (formerly Invitae), Labcorp); PubMed 26809805 (cited by Labcorp Genetics (formerly Invitae), Labcorp); PubMed 27281700 (cited by Labcorp Genetics (formerly Invitae), Labcorp).

NM_000091.5(COL4A3):c.3337+1del

Genes: COL4A3 (collagen type IV alpha 3 chain; plus strand), MFF-DT (MFF divergent transcript; minus strand). Cytogenetic location: 2q36.3.
Variant type: Deletion.
Coding change: c.3337+1del on transcript NM_000091.5 (MANE Select); the canonical splice donor site of the intron after coding-DNA position 3337, one base deleted (G; older notation c.3337+1delG).
Molecular consequence: splice donor variant.
Genome position (GRCh38, 1-based): chr2:227,293,318, G deleted; the last of 2 consecutive G bases (chr2:227,293,317-227,293,318); deleting either gives the same sequence. VCF-style (leftmost placement, unchanged base first): chr2-227293316-AG-A. GRCh37 (hg19) VCF-style: chr2-228158032-AG-A.
Other names: c.3337del (NM_000091.5).
Identifiers: ClinVar variation 1067715 (VCV001067715.10), dbSNP rs1350835100, ClinGen allele CA539903380.